The following is an entry in ClinVar:

ClinVar aggregate classification (germline): Pathogenic. Review status: criteria provided, multiple submitters, no conflicts (2 of 4 stars). 4 submissions from 4 submitters: Pathogenic (3). 1 of the submissions does not count toward it. Last evaluated 2025-02-07.

Conditions:
PNP-related disorder. Also called: PNP-related condition.
Purine-nucleoside phosphorylase deficiency. Also called: NUCLEOSIDE PHOSPHORYLASE DEFICIENCY; Immunodeficiency due to purine nucleoside phosphorylase deficiency. Identifiers: Orphanet 760, MedGen C0268125, MONDO:0013171, OMIM 613179.

Allele frequency attached by ClinVar (database versions not stated): ExAC 0.00001; gnomAD exomes 0.00001; TOPMed 0.00002.
gnomAD v4.1: 10 of 1,613,568 alleles (0.00062%); highest among the groups gnomAD compares: Admixed American, 0.0017%; no homozygotes.

Submissions (4):

PreventionGenetics, part of Exact Sciences
Classification: Pathogenic for PNP-related condition. Last evaluated: 2025-02-07. Review status: criteria provided, single submitter. Criteria: ACMG Guidelines, 2015. Collection method: clinical testing. Allele origin: germline.
Comment: The PNP c.70C>T variant is predicted to result in premature protein termination (p.Arg24*). This variant has been reported in the homozygous state in an individual with purine nucleoside phosphorylase deficiency (Sasaki et al. 1998. PubMed ID: 9737781). This variant is reported in 0.0033% of alleles in individuals of South Asian descent in gnomAD. Nonsense variants in PNP are expected to be pathogenic. This variant is interpreted as pathogenic.

GeneDx
Classification: Pathogenic. Last evaluated: 2024-12-27. Review status: criteria provided, single submitter. Criteria: GeneDx Variant Classification Process June 2021. Collection method: clinical testing. Allele origin: germline. Affected: yes.
Comment: Nonsense variant predicted to result in protein truncation or nonsense mediated decay in a gene for which loss of function is a known mechanism of disease; This variant is associated with the following publications: (PMID: 31589614, 24767876, 11453975, 9737781)

Labcorp Genetics (formerly Invitae), Labcorp
Classification: Pathogenic for Purine-nucleoside phosphorylase deficiency. Last evaluated: 2024-10-22. Review status: criteria provided, single submitter. Criteria: Invitae Variant Classification Sherloc (09022015). Collection method: clinical testing. Allele origin: germline.
Comment: This sequence change creates a premature translational stop signal (p.Arg24*) in the PNP gene. It is expected to result in an absent or disrupted protein product. Loss-of-function variants in PNP are known to be pathogenic (PMID: 24767876). This variant is present in population databases (rs104894455, gnomAD 0.003%). This premature translational stop signal has been observed in individual(s) with purine nucleoside phosphorylase deficiency (PMID: 9737781). ClinVar contains an entry for this variant (Variation ID: 13995). For these reasons, this variant has been classified as Pathogenic.

OMIM
Classification: Pathogenic for NUCLEOSIDE PHOSPHORYLASE DEFICIENCY. Last evaluated: 1998-07-01. Review status: no assertion criteria provided. Collection method: literature only. Allele origin: germline. Not counted in ClinVar's aggregate classification.

Literature cited by the submitters: PubMed 24767876 (cited by Labcorp Genetics (formerly Invitae), Labcorp); PubMed 9737781 (cited by Labcorp Genetics (formerly Invitae), Labcorp and OMIM).

NM_000270.4(PNP):c.70C>T (p.Arg24Ter)

Gene: PNP (purine nucleoside phosphorylase; plus strand). Cytogenetic location: 14q11.2.
Variant type: single nucleotide variant.
Coding change: c.70C>T on transcript NM_000270.4 (MANE Select); coding-DNA position 70, C replaced by T.
Protein change: p.Arg24Ter; replaces arginine 24 with a stop codon.
Molecular consequence: nonsense.
Genome position (GRCh38, 1-based): chr14:20,472,366, C>T. VCF-style: chr14-20472366-C-T. GRCh37 (hg19) VCF-style: chr14-20940525-C-T.
Other names: c.70C>T (NM_000270.3); short protein forms R24*.
Identifiers: ClinVar variation 13995 (VCV000013995.8), dbSNP rs104894455, ClinGen allele CA123682.